The following is an entry in ClinVar:

ClinVar aggregate classification (germline): Uncertain significance. Review status: criteria provided, multiple submitters, no conflicts (2 of 4 stars). 2 submissions from 2 submitters: Uncertain significance (2). Last evaluated 2026-02-05.

Conditions:
Congenital contractural arachnodactyly (CCA). Also called: Beals-Hecht syndrome; BEALS SYNDROME; Arthrogryposis, distal, type 9. Identifiers: Orphanet 115, MedGen C0220668, MONDO:0007363, OMIM 121050.

gnomAD v4.1: 1 of 1,610,050 alleles (0.000062%); highest among the groups gnomAD compares: Non-Finnish European, 0.000085%; no homozygotes.

Submissions (2):

GeneDx
Classification: Uncertain significance. Last evaluated: 2026-02-05. Review status: criteria provided, single submitter. Criteria: GeneDx Variant Classification Process June 2021. Collection method: clinical testing. Allele origin: germline.
Comment: Has not been previously published as pathogenic or benign to our knowledge; Not observed at significant frequency in large population cohorts (gnomAD); In silico analysis suggests that this missense variant does not alter protein structure/function

Labcorp Genetics (formerly Invitae), Labcorp
Classification: Uncertain significance for Congenital contractural arachnodactyly. Last evaluated: 2025-10-15. Review status: criteria provided, single submitter. Criteria: Invitae Variant Classification Sherloc (09022015). Collection method: clinical testing. Allele origin: germline.
Comment: This sequence change replaces glutamic acid, which is acidic and polar, with alanine, which is neutral and non-polar, at codon 66 of the FBN2 protein (p.Glu66Ala). This variant is not present in population databases (gnomAD no frequency). This variant has not been reported in the literature in individuals affected with FBN2-related conditions. Invitae Evidence Modeling of protein sequence and biophysical properties (such as structural, functional, and spatial information, amino acid conservation, physicochemical variation, residue mobility, and thermodynamic stability) indicates that this missense variant is not expected to disrupt FBN2 protein function with a negative predictive value of 80%. In summary, the available evidence is currently insufficient to determine the role of this variant in disease. Therefore, it has been classified as a Variant of Uncertain Significance.

NM_001999.4(FBN2):c.197A>C (p.Glu66Ala)

Gene: FBN2 (fibrillin 2; minus strand). Cytogenetic location: 5q23.3.
Variant type: single nucleotide variant.
Coding change: c.197A>C on transcript NM_001999.4 (MANE Select); coding-DNA position 197, A replaced by C.
Protein change: p.Glu66Ala; replaces glutamic acid 66 with alanine.
Molecular consequence: missense variant.
Genome position (GRCh38, 1-based): chr5:128,537,407, T>G on the plus strand (A>C on the coding strand, the complement: FBN2 is on the minus strand). VCF-style: chr5-128537407-T-G. GRCh37 (hg19) VCF-style: chr5-127873100-T-G.
Other names: c.197A>C (NM_001999.3); short protein forms E66A.
Identifiers: ClinVar variation 4737967 (VCV004737967.2).
Genomic context (GRCh38, chr5:128,537,407, plus strand): 5'-TACCCTCGGAGCACGTCCTGCTGTCCTCGCCGGCGGACGCGGCTGGCCACTGCGGCACCC[T>G]CCTCGCGATACTCGGGCGCTAGAAACCCGCCTTCAGAGCCTGCTGTAGCGGACCGAACCT-3'
Protein context (NP_001990.2, residues 56-76): GGFLAPEYRE[Glu66Ala]GAAVASRVRR